The following is an entry in ClinVar:

NM_014297.5(ETHE1):c.150G>C (p.Leu50=)

Gene: ETHE1 (ETHE1 persulfide dioxygenase; minus strand). Cytogenetic location: 19q13.31.
Variant type: single nucleotide variant.
Coding change: c.150G>C on transcript NM_014297.5 (MANE Select); coding-DNA position 150, G replaced by C.
Protein change: p.Leu50=; no amino-acid change (leucine 50 retained).
Molecular consequence: synonymous variant. On other transcripts: 5 prime UTR variant (1), intron variant (1).
Genome position (GRCh38, 1-based): chr19:43,526,591, C>G on the plus strand (G>C on the coding strand, the complement: ETHE1 is on the minus strand). VCF-style: chr19-43526591-C-G. GRCh37 (hg19) VCF-style: chr19-44030743-C-G.
Other names: c.150G>C, p.Leu50= (NM_001320867.2); c.-71G>C (NM_001320868.2); c.81+506G>C (NM_001320869.2); c.150G>C (NM_014297.4).
Identifiers: ClinVar variation 705127 (VCV000705127.34), dbSNP rs142193567, ClinGen allele CA9487938.

ClinVar aggregate classification (germline): Likely benign. Review status: criteria provided, multiple submitters, no conflicts (2 of 4 stars). 6 submissions from 6 submitters: Likely benign (4). 2 of the submissions do not count toward it. Last evaluated 2026-01-13.

Conditions:
ETHE1-related disorder. Also called: ETHE1-related condition.
Ethylmalonic encephalopathy (EE). Also called: EPEMA syndrome; Encephalopathy, petechiae, and ethylmalonic aciduria; Syndrome of encephalopathy, petechiae, and ethylmalonic aciduria. Identifiers: Orphanet 51188, MedGen C1865349, MONDO:0011229, OMIM 602473. Disease mechanism: loss of function.

Allele frequency attached by ClinVar (database versions not stated): 1000 Genomes Project 30x 0.00016; gnomAD exomes 0.00016; ExAC 0.00020; gnomAD 0.00026; TOPMed 0.00030; ESP Exome Variant Server 0.00054.
gnomAD v4.1: 496 of 1,614,068 alleles (0.031%); highest among the groups gnomAD compares: Non-Finnish European, 0.039%; no homozygotes.

Submissions (6):

Labcorp Genetics (formerly Invitae), Labcorp
Classification: Likely benign for Ethylmalonic encephalopathy. Last evaluated: 2026-01-13. Review status: criteria provided, single submitter. Criteria: Invitae Variant Classification Sherloc (09022015). Collection method: clinical testing. Allele origin: germline.

Blueprint Genetics
Classification: Likely benign. Last evaluated: 2024-11-13. Review status: criteria provided, single submitter. Criteria: ACMG Guidelines, 2015. Collection method: clinical testing. Allele origin: germline.

CeGaT Center for Human Genetics Tuebingen
Classification: Likely benign. Last evaluated: 2024-07-01. Review status: criteria provided, single submitter. Criteria: CeGaT Center For Human Genetics Tuebingen Variant Classification Criteria Version 2. Collection method: clinical testing. Allele origin: germline. Affected: yes. Observed: 1 variant allele.
Comment: ETHE1: BP4, BP7

GeneDx
Classification: Likely benign. Last evaluated: 2019-05-22. Review status: criteria provided, single submitter. Criteria: GeneDx Variant Classification Process June 2021. Collection method: clinical testing. Allele origin: germline. Affected: yes.

Natera, Inc.
Classification: Uncertain significance for Ethylmalonic encephalopathy. Last evaluated: 2020-01-24. Review status: no assertion criteria provided. Collection method: clinical testing. Allele origin: germline. Not counted in ClinVar's aggregate classification.

PreventionGenetics, part of Exact Sciences
Classification: Likely benign for ETHE1-related condition. Last evaluated: 2019-08-10. Review status: no assertion criteria provided. Collection method: clinical testing. Allele origin: germline. Not counted in ClinVar's aggregate classification.
Comment: This variant is classified as likely benign based on ACMG/AMP sequence variant interpretation guidelines (Richards et al. 2015 PMID: 25741868, with internal and published modifications).